The following is an entry in ClinVar:

ClinVar aggregate classification (germline): Likely pathogenic (1 of 4 stars; one submission).

Conditions:
Autosomal dominant WDFY3-related disorders.

Submission:

Variantyx, Inc.
Classification: Likely pathogenic for Autosomal dominant WDFY3-related disorders. Last evaluated: 2025-09-25. Review status: criteria provided, single submitter. Criteria: Variantyx Assertion Criteria 2022. Collection method: clinical testing. Allele origin: germline. Inheritance: Autosomal dominant inheritance. Affected: yes.
Comment: This is a frameshift variant in the WDFY3 gene. Pathogenic variants in this gene have been associated with autosomal dominant WDFY3-related disorders. This variant introduces a premature termination codon in exon 48 out of 68 and is expected to result in loss of function, which is a known disease mechanism for WDFY3 in this disorder (PMID: 31327001, 25198012) (PVS1). This variant is absent from control populations (PM2) and has not been reported in individuals with WDFY3-related disorders in the databases available for review. Based on the current evidence, this variant is classified as likely pathogenic for autosomal dominant WDFY3-related disorders.

Literature cited by the submitters: PubMed 31327001; PubMed 25198012.

NM_014991.6(WDFY3):c.7731del (p.Asp2578fs)

Gene: WDFY3 (WD repeat and FYVE domain containing 3; minus strand). Cytogenetic location: 4q21.23.
Variant type: Deletion.
Coding change: c.7731del on transcript NM_014991.6 (MANE Select); coding-DNA position 7731, one base deleted (A; older notation c.7731delA).
Protein change: p.Asp2578fs; shifts the reading frame from aspartic acid 2578.
Molecular consequence: frameshift variant.
Genome position (GRCh38, 1-based): chr4:84,718,445, T deleted on the plus strand (A on the coding strand, the reverse complement: WDFY3 is on the minus strand). VCF-style (leftmost placement, unchanged base first): chr4-84718444-CT-C. GRCh37 (hg19) VCF-style: chr4-85639597-CT-C.
Other names: short protein forms D2578fs.
Identifiers: ClinVar variation 4813737 (VCV004813737.1).